The following is an entry in ClinVar:

NM_001267550.2(TTN):c.32188C>T (p.Arg10730Trp)

Gene: TTN (titin; minus strand). Cytogenetic location: 2q31.2.
Variant type: single nucleotide variant.
Coding change: c.32188C>T on transcript NM_001267550.2 (MANE Select); coding-DNA position 32188, C replaced by T.
Protein change: p.Arg10730Trp; replaces arginine 10730 with tryptophan.
Molecular consequence: missense variant. On other transcripts: intron variant (3).
Genome position (GRCh38, 1-based): chr2:178,688,686, G>A on the plus strand (C>T on the coding strand, the complement: TTN is on the minus strand). VCF-style: chr2-178688686-G-A. GRCh37 (hg19) VCF-style: chr2-179553413-G-A.
Other names: c.31237C>T, p.Arg10413Trp (NM_001256850.1); c.28456C>T, p.Arg9486Trp (NM_133378.4); c.13283-46369C>T (NM_003319.4); c.13859-46369C>T (NM_133437.4); c.13658-46369C>T (NM_133432.3); short protein forms R10413W, R10730W, R9486W.
Identifiers: ClinVar variation 3573607 (VCV003573607.2).

ClinVar aggregate classification (germline): Uncertain significance. Review status: criteria provided, multiple submitters, no conflicts (2 of 4 stars). 2 submissions from 2 submitters: Uncertain significance (2). Last evaluated 2024-07-16.

gnomAD v4.1: 13 of 1,611,622 alleles (0.00081%); highest among the groups gnomAD compares: East Asian, 0.011%; no homozygotes.

Submissions (2):

GeneDx
Classification: Uncertain significance. Last evaluated: 2024-07-16. Review status: criteria provided, single submitter. Criteria: GeneDx Variant Classification Process June 2021. Collection method: clinical testing. Allele origin: germline. Affected: yes.
Comment: Not observed at significant frequency in large population cohorts (gnomAD); Missense variant in a gene in which most reported pathogenic variants are truncating/loss of function; Has not been previously published as pathogenic or benign to our knowledge

Blueprint Genetics
Classification: Uncertain significance. Last evaluated: 2019-03-20. Review status: criteria provided, single submitter. Criteria: ACMG Guidelines, 2015. Collection method: clinical testing. Allele origin: germline.